The following is an entry in ClinVar:

ClinVar aggregate classification (germline): Benign/Likely benign. Review status: criteria provided, multiple submitters, no conflicts (2 of 4 stars). 3 submissions from 3 submitters: Benign (1); Likely benign (1). 1 of the submissions does not count toward it. Last evaluated 2026-07-10.

Conditions:
SMARCA4-related disorder. Also called: SMARCA4-related condition.
Rhabdoid tumor predisposition syndrome 2 (RTPS2). Identifiers: Orphanet 231108, Orphanet 69077, MedGen C2750074, MONDO:0013224, OMIM 613325.

Allele frequency attached by ClinVar (database versions not stated): TOPMed 0.00003; gnomAD 0.00006; gnomAD exomes 0.00003.
gnomAD v4.1: 51 of 1,613,534 alleles (0.0032%); highest among the groups gnomAD compares: Non-Finnish European, 0.0036%; no homozygotes.

Submissions (3):

Myriad Genetics, Inc.
Classification: Benign for Rhabdoid tumor predisposition syndrome 2. Last evaluated: 2026-07-10. Review status: criteria provided, single submitter. Criteria: Myriad Autosomal Dominant, Autosomal Recessive and X-Linked Classification Criteria (2023). Collection method: clinical testing. Allele origin: unknown.
Comment: This variant is considered benign. This variant is intronic and is not expected to impact mRNA splicing. This variant has been observed at a population frequency that is significantly greater than expected given the associated disease prevalence and penetrance.

Labcorp Genetics (formerly Invitae), Labcorp
Classification: Likely benign for Rhabdoid tumor predisposition syndrome 2. Last evaluated: 2026-02-01. Review status: criteria provided, single submitter. Criteria: Invitae Variant Classification Sherloc (09022015). Collection method: clinical testing. Allele origin: germline.

PreventionGenetics, part of Exact Sciences
Classification: Likely benign for SMARCA4-related condition. Last evaluated: 2022-10-03. Review status: no assertion criteria provided. Collection method: clinical testing. Allele origin: germline. Not counted in ClinVar's aggregate classification.
Comment: This variant is classified as likely benign based on ACMG/AMP sequence variant interpretation guidelines (Richards et al. 2015 PMID: 25741868, with internal and published modifications).

NM_003072.5(SMARCA4):c.1420-7C>T

Gene: SMARCA4 (SWI/SNF related BAF chromatin remodeling complex subunit ATPase 4; plus strand). Cytogenetic location: 19p13.2.
Variant type: single nucleotide variant.
Coding change: c.1420-7C>T on transcript NM_003072.5 (MANE Select); 7 bases into the intron before coding-DNA position 1420, C replaced by T.
Molecular consequence: intron variant.
Genome position (GRCh38, 1-based): chr19:10,994,821, C>T. VCF-style: chr19-10994821-C-T. GRCh37 (hg19) VCF-style: chr19-11105497-C-T.
Other names: c.1420-7C>T (NM_001128844.3, NM_001128849.3, NM_001128847.4 and 5 more transcripts).
Identifiers: ClinVar variation 238377 (VCV000238377.14), dbSNP rs878854201, ClinGen allele CA10583732.